The following is an entry in ClinVar:

ClinVar aggregate classification (germline): Pathogenic (0 of 4 stars; one submission).

Conditions:
Deficiency of UDPglucose-hexose-1-phosphate uridylyltransferase. Also called: GALT deficiency; Galactosemia, classic; GALACTOSEMIA I; GALACTOSE-1-PHOSPHATE URIDYLYLTRANSFERASE DEFICIENCY; Transferase Deficiency Galactosemia. Identifiers: Orphanet 352, Orphanet 79239, MedGen C0268151, MONDO:0009258, OMIM 230400.

Submission:

Istanbul Faculty of Medicine, Istanbul University
Classification: Pathogenic for Deficiency of UDPglucose-hexose-1-phosphate uridylyltransferase. Last evaluated: 2014-07-10. Review status: no assertion criteria provided. Collection method: clinical testing. Allele origin: germline. Affected: yes. Observed: 1 variant allele.
Comment: Compound heterozygous with c.855G>T

Literature cited by the submitters: PubMed 37563963.

NM_000155.4(GALT):c.708_709del (p.Ser236fs)

Gene: GALT (galactose-1-phosphate uridylyltransferase; plus strand). Cytogenetic location: 9p13.3.
Variant type: Deletion.
Coding change: c.708_709del on transcript NM_000155.4 (MANE Select); coding-DNA positions 708 to 709, 2 bases deleted (TG; older notation c.708_709delTG).
Protein change: p.Ser236fs; shifts the reading frame from serine 236.
Molecular consequence: frameshift variant.
Genome position (GRCh38, 1-based): chr9:34,648,782-34,648,783, TG deleted; deleting any 2 consecutive bases within chr9:34,648,781-34,648,783 gives the same sequence; the c. name uses the placement nearest the transcript's 3' end. VCF-style (leftmost placement, unchanged base first): chr9-34648780-AGT-A. GRCh37 (hg19) VCF-style: chr9-34648777-AGT-A.
Other names: c.381_382del, p.Ser127fs (NM_001258332.2); short protein forms S127fs, S236fs.
Identifiers: ClinVar variation 1332996 (VCV001332996.3), dbSNP rs2132344913, ClinGen allele CA2580080408.